The following is an entry in ClinVar:

NM_004369.4(COL6A3):c.7381G>C (p.Ala2461Pro)

Gene: COL6A3 (collagen type VI alpha 3 chain; minus strand). Cytogenetic location: 2q37.3.
Variant type: single nucleotide variant.
Coding change: c.7381G>C on transcript NM_004369.4 (MANE Select); coding-DNA position 7381, G replaced by C.
Protein change: p.Ala2461Pro; replaces alanine 2461 with proline.
Molecular consequence: missense variant.
Genome position (GRCh38, 1-based): chr2:237,344,637, C>G on the plus strand (G>C on the coding strand, the complement: COL6A3 is on the minus strand). VCF-style: chr2-237344637-C-G. GRCh37 (hg19) VCF-style: chr2-238253280-C-G.
Other names: c.5560G>C, p.Ala1854Pro (NM_057166.5); c.6763G>C, p.Ala2255Pro (NM_057167.4); short protein forms A2461P, A1854P, A2255P.
Identifiers: ClinVar variation 3631701 (VCV003631701.2).

ClinVar aggregate classification (germline): Uncertain significance (1 of 4 stars; one submission).

Conditions:
Bethlem myopathy 1A. Also called: Bethlem myopathy 1; MYOPATHY, BENIGN CONGENITAL, WITH CONTRACTURES; Bethlem Muscular Dystrophy. Identifiers: Orphanet 610, MedGen CN029274, MONDO:0024530, OMIM 158810.

gnomAD v4.1: 1 of 1,614,072 alleles (0.000062%); highest among the groups gnomAD compares: African/African-American, 0.0013%; no homozygotes.

Submission:

Labcorp Genetics (formerly Invitae), Labcorp
Classification: Uncertain significance for Bethlem myopathy 1A. Last evaluated: 2025-01-20. Review status: criteria provided, single submitter. Criteria: Invitae Variant Classification Sherloc (09022015). Collection method: clinical testing. Allele origin: germline.
Comment: This sequence change replaces alanine, which is neutral and non-polar, with proline, which is neutral and non-polar, at codon 2461 of the COL6A3 protein (p.Ala2461Pro). This variant is present in population databases (rs570690752, gnomAD 0.007%). This variant has not been reported in the literature in individuals affected with COL6A3-related conditions. Invitae Evidence Modeling of protein sequence and biophysical properties (such as structural, functional, and spatial information, amino acid conservation, physicochemical variation, residue mobility, and thermodynamic stability) indicates that this missense variant is expected to disrupt COL6A3 protein function with a positive predictive value of 80%. In summary, the available evidence is currently insufficient to determine the role of this variant in disease. Therefore, it has been classified as a Variant of Uncertain Significance.